The following is an entry in ClinVar:

NM_052844.4(DYNC2I2):c.133G>A (p.Val45Met)

Gene: DYNC2I2 (dynein 2 intermediate chain 2; minus strand). Cytogenetic location: 9q34.11.
Variant type: single nucleotide variant.
Coding change: c.133G>A on transcript NM_052844.4 (MANE Select); coding-DNA position 133, G replaced by A.
Protein change: p.Val45Met; replaces valine 45 with methionine.
Molecular consequence: missense variant.
Genome position (GRCh38, 1-based): chr9:128,656,594, C>T on the plus strand (G>A on the coding strand, the complement: DYNC2I2 is on the minus strand). VCF-style: chr9-128656594-C-T. GRCh37 (hg19) VCF-style: chr9-131418873-C-T.
Other names: short protein forms V45M.
Identifiers: ClinVar variation 1916377 (VCV001916377.5), dbSNP rs1349347474, ClinGen allele CA375050931.
Genomic context (GRCh38, chr9:128,656,594, plus strand): 5'-CCCTCACCGTCTCCCAGCGGATGCCCTGGACGGCCCTCCACTGCGAGGGCACGGACGCCA[C>T]ACCCAGGGTCTCGTCCTGCAGCGGCCCTGGCCGCCCCGGCCCCGGGCCGCTCGCAACCCC-3'
Protein context (NP_443076.2, residues 35-55): PGPLQDETLG[Val45Met]ASVPSQWRAV

ClinVar aggregate classification (germline): Uncertain significance (1 of 4 stars; one submission).

Conditions:
Short-rib thoracic dysplasia 11 with or without polydactyly (SRTD11). Also called: SHORT-RIB THORACIC DYSPLASIA 11 WITHOUT POLYDACTYLY. Identifiers: Orphanet 474, Orphanet 93271, MedGen C3810200, MONDO:0014287, OMIM 615633.

gnomAD v4.1: 1 of 1,489,056 alleles (0.000067%); highest among the groups gnomAD compares: East Asian, 0.0029%; no homozygotes.

Submission:

Labcorp Genetics (formerly Invitae), Labcorp
Classification: Uncertain significance for Short-rib thoracic dysplasia 11 with or without polydactyly. Last evaluated: 2024-04-10. Review status: criteria provided, single submitter. Criteria: Invitae Variant Classification Sherloc (09022015). Collection method: clinical testing. Allele origin: germline.
Comment: This sequence change replaces valine, which is neutral and non-polar, with methionine, which is neutral and non-polar, at codon 45 of the WDR34 protein (p.Val45Met). This variant is not present in population databases (gnomAD no frequency). This variant has not been reported in the literature in individuals affected with WDR34-related conditions. ClinVar contains an entry for this variant (Variation ID: 1916377). An algorithm developed to predict the effect of missense changes on protein structure and function (PolyPhen-2) suggests that this variant is likely to be tolerated. Algorithms developed to predict the effect of sequence changes on RNA splicing suggest that this variant may create or strengthen a splice site. In summary, the available evidence is currently insufficient to determine the role of this variant in disease. Therefore, it has been classified as a Variant of Uncertain Significance.